The following is an entry in ClinVar:

NM_005618.4(DLL1):c.845del (p.Gly282fs)

Gene: DLL1 (delta like canonical Notch ligand 1; minus strand). Cytogenetic location: 6q27.
Variant type: Deletion.
Coding change: c.845del on transcript NM_005618.4 (MANE Select); coding-DNA position 845, one base deleted (G; older notation c.845delG).
Protein change: p.Gly282fs; shifts the reading frame from glycine 282.
Molecular consequence: frameshift variant.
Genome position (GRCh38, 1-based): chr6:170,285,586, C deleted on the plus strand (G on the coding strand, the reverse complement: DLL1 is on the minus strand); the first of 7 consecutive C bases (chr6:170,285,586-170,285,592); deleting any one gives the same sequence. VCF-style (leftmost placement, unchanged base first): chr6-170285585-GC-G. GRCh37 (hg19) VCF-style: chr6-170594673-GC-G.
Other names: short protein forms G282fs.
Identifiers: ClinVar variation 1966157 (VCV001966157.8), dbSNP rs760008381, ClinGen allele CA453310079.

ClinVar aggregate classification (germline): Pathogenic/Likely pathogenic. Review status: criteria provided, multiple submitters, no conflicts (2 of 4 stars). 4 submissions from 4 submitters: Pathogenic (3); Likely pathogenic (1). Last evaluated 2026-04-02.

Conditions:
Neurodevelopmental disorder with nonspecific brain abnormalities and with or without seizures. Identifiers: MedGen C5231470, MONDO:0032877, OMIM 618709.
Inborn genetic diseases. Identifiers: MedGen C0950123, MeSH D030342.

Submissions (4):

Laboratorio de Genetica e Diagnostico Molecular, Hospital Israelita Albert Einstein
Classification: Likely pathogenic for Neurodevelopmental disorder with nonspecific brain abnormalities and with or without seizures. Last evaluated: 2026-04-02. Review status: criteria provided, single submitter. Criteria: ACMG Guidelines, 2015. Collection method: clinical testing. Allele origin: germline. Affected: yes.
Comment: ACMG classification criteria: PVS1 very strong, PM2 supporting

Labcorp Genetics (formerly Invitae), Labcorp
Classification: Pathogenic. Last evaluated: 2022-02-01. Review status: criteria provided, single submitter. Criteria: Invitae Variant Classification Sherloc (09022015). Collection method: clinical testing. Allele origin: germline.
Comment: For these reasons, this variant has been classified as Pathogenic. This variant has not been reported in the literature in individuals affected with DLL1-related conditions. This variant is not present in population databases (gnomAD no frequency). This sequence change creates a premature translational stop signal (p.Gly282Alafs*8) in the DLL1 gene. It is expected to result in an absent or disrupted protein product. Loss-of-function variants in DLL1 are known to be pathogenic (PMID: 31353024).

Ambry Genetics
Classification: Pathogenic for Inborn genetic diseases. Last evaluated: 2021-07-01. Review status: criteria provided, single submitter. Criteria: Ambry Variant Classification Scheme 2023. Collection method: clinical testing. Allele origin: germline.
Comment: The c.845delG (p.G282Afs*8) alteration, located in exon 6 (coding exon 6) of the DLL1 gene, consists of a deletion of one nucleotide at position 845, causing a translational frameshift with a predicted alternate stop codon after 8 amino acids. This alteration is expected to result in loss of function by premature protein truncation or nonsense-mediated mRNA decay. Based on data from the Genome Aggregation Database (gnomAD), the DLL1 c.845delG alteration was not observed, with coverage at this position. Based on the available evidence, this alteration is classified as pathogenic.

Laboratoire de Génétique Moléculaire, CHU Bordeaux
Classification: Pathogenic for Neurodevelopmental disorder with nonspecific brain abnormalities and with or without seizures. Review status: criteria provided, single submitter. Criteria: ACMG Guidelines, 2015. Collection method: clinical testing. Allele origin: germline. Affected: yes.

Literature cited by the submitters: PubMed 31353024 (cited by Labcorp Genetics (formerly Invitae), Labcorp).